The following is an entry in ClinVar:

NM_004393.6(DAG1):c.552G>A (p.Ala184=)

Gene: DAG1 (dystroglycan 1; plus strand). Cytogenetic location: 3p21.31.
Variant type: single nucleotide variant.
Coding change: c.552G>A on transcript NM_004393.6 (MANE Select); coding-DNA position 552, G replaced by A.
Protein change: p.Ala184=; no amino-acid change (alanine 184 retained).
Molecular consequence: synonymous variant.
Genome position (GRCh38, 1-based): chr3:49,531,063, G>A. VCF-style: chr3-49531063-G-A. GRCh37 (hg19) VCF-style: chr3-49568496-G-A.
Other names: c.552G>A (NM_001165928.3); c.552G>A, p.Ala184= (NM_001165928.4, NM_001177634.3, NM_001177635.3 and 9 more transcripts).
Identifiers: ClinVar variation 849305 (VCV000849305.8), dbSNP rs749602970, ClinGen allele CA2398928.

ClinVar aggregate classification (germline): Likely benign. Review status: criteria provided, multiple submitters, no conflicts (2 of 4 stars). 2 submissions from 2 submitters: Likely benign (2). Last evaluated 2026-06-17.

Conditions:
DAG1-related disorder. Also called: DAG1-related condition.
Muscular dystrophy-dystroglycanopathy (congenital with brain and eye anomalies), type A9. Also called: WALKER-WARBURG SYNDROME OR MUSCLE-EYE BRAIN DISEASE, DAG1-RELATED; Muscular dystrophy-dystroglycanopathy (congenital with brain and eye anomalies), type a, 9. Identifiers: Orphanet 370997, Orphanet 899, MedGen C4225291, MONDO:0014683, OMIM 616538.
Autosomal recessive limb-girdle muscular dystrophy type 2P. Also called: Limb-Girdle Muscular Dystrophy Type 9C; MUSCULAR DYSTROPHY-DYSTROGLYCANOPATHY, LIMB-GIRDLE, DAG1-RELATED; MUSCULAR DYSTROPHY, LIMB-GIRDLE, TYPE 2P. Identifiers: Orphanet 280333, MedGen C4511963, MONDO:0013440, OMIM 613818.

Allele frequency attached by ClinVar (database versions not stated): ExAC 0.00002.
gnomAD v4.1: 32 of 1,614,038 alleles (0.002%); highest among the groups gnomAD compares: South Asian, 0.0099%; no homozygotes.

Submissions (2):

PreventionGenetics, part of Exact Sciences
Classification: Likely benign for DAG1-related condition. Last evaluated: 2026-06-17. Review status: criteria provided, single submitter. Criteria: ACMG Guidelines, 2015. Collection method: clinical testing. Allele origin: germline.
Comment: This variant is classified as likely benign based on ACMG/AMP sequence variant interpretation guidelines (Richards et al. 2015 PMID: 25741868, with internal and published modifications).

Labcorp Genetics (formerly Invitae), Labcorp
Classification: Likely benign for Autosomal recessive limb-girdle muscular dystrophy type 2P; Muscular dystrophy-dystroglycanopathy (congenital with brain and eye anomalies), type A9. Last evaluated: 2024-02-20. Review status: criteria provided, single submitter. Criteria: Invitae Variant Classification Sherloc (09022015). Collection method: clinical testing. Allele origin: germline.